The following is an entry in ClinVar:

NM_002296.4(LBR):c.1A>G (p.Met1Val)

Gene: LBR (lamin B receptor; minus strand). Cytogenetic location: 1q42.12.
Variant type: single nucleotide variant.
Coding change: c.1A>G on transcript NM_002296.4 (MANE Select); coding-DNA position 1, A replaced by G.
Protein change: p.Met1Val; changes the start codon (methionine 1).
Molecular consequence: missense variant, initiator codon variant.
Genome position (GRCh38, 1-based): chr1:225,424,075, T>C on the plus strand (A>G on the coding strand, the complement: LBR is on the minus strand). VCF-style: chr1-225424075-T-C. GRCh37 (hg19) VCF-style: chr1-225611777-T-C.
Other names: c.1A>G, p.Met1Val (NM_194442.3); short protein forms M1V.
Identifiers: ClinVar variation 2106050 (VCV002106050.5), dbSNP rs2527842814, ClinGen allele CA345003844.

ClinVar aggregate classification (germline): Pathogenic (1 of 4 stars; one submission).

Submission:

Labcorp Genetics (formerly Invitae), Labcorp
Classification: Pathogenic. Last evaluated: 2025-01-27. Review status: criteria provided, single submitter. Criteria: Invitae Variant Classification Sherloc (09022015). Collection method: clinical testing. Allele origin: germline.
Comment: This sequence change affects the initiator methionine of the LBR mRNA. The next in-frame methionine is located at codon 219. This variant is not present in population databases (gnomAD no frequency). Disruption of the initiator codon has been observed in individual(s) with clinical features of Pelger-Huet anomaly (internal data). ClinVar contains an entry for this variant (Variation ID: 2106050). This variant disrupts a region of the LBR protein in which other variant(s) (p.Pro119Leu) have been determined to be pathogenic (PMID: 14617022). This suggests that this is a clinically significant region of the protein, and that variants that disrupt it are likely to be disease-causing. For these reasons, this variant has been classified as Pathogenic.

Literature cited by the submitters: PubMed 14617022.